The following is an entry in ClinVar:

NM_000322.5(PRPH2):c.1013_1018del (p.Asp338_Ala339del)

Gene: PRPH2 (peripherin 2; minus strand). Cytogenetic location: 6p21.1.
Variant type: Deletion.
Coding change: c.1013_1018del on transcript NM_000322.5 (MANE Select); coding-DNA positions 1013 to 1018, 6 bases deleted (ACGCAG; older notation c.1013_1018delACGCAG).
Protein change: p.Asp338_Ala339del.
Molecular consequence: inframe deletion.
Genome position (GRCh38, 1-based): chr6:42,698,318-42,698,323, CTGCGT deleted on the plus strand (ACGCAG on the coding strand, the reverse complement: PRPH2 is on the minus strand); deleting any 6 consecutive bases within chr6:42,698,318-42,698,328 gives the same sequence; the c. name uses the placement nearest the transcript's 3' end. VCF-style (leftmost placement, unchanged base first): chr6-42698317-CCTGCGT-C. GRCh37 (hg19) VCF-style: chr6-42666055-CCTGCGT-C.
Identifiers: ClinVar variation 2727152 (VCV002727152.3), dbSNP rs774283806, ClinGen allele CA3808456.

ClinVar aggregate classification (germline): Uncertain significance (1 of 4 stars; one submission).

Conditions:
PRPH2-related disorder. Also called: PRPH2-related condition; PRPH2-related disorders. Identifiers: MedGen CN239395.

Submission:

Labcorp Genetics (formerly Invitae), Labcorp
Classification: Uncertain significance for PRPH2-related disorder. Last evaluated: 2023-03-01. Review status: criteria provided, single submitter. Criteria: Invitae Variant Classification Sherloc (09022015). Collection method: clinical testing. Allele origin: germline.
Comment: This variant has not been reported in the literature in individuals affected with PRPH2-related conditions. Experimental studies and prediction algorithms are not available or were not evaluated, and the functional significance of this variant is currently unknown. In summary, the available evidence is currently insufficient to determine the role of this variant in disease. Therefore, it has been classified as a Variant of Uncertain Significance. This variant, c.1013_1018del, results in the deletion of 2 amino acid(s) of the PRPH2 protein (p.Asp338_Ala339del), but otherwise preserves the integrity of the reading frame. This variant is present in population databases (rs774283806, gnomAD 0.004%).